The following is an entry in ClinVar:

ClinVar aggregate classification (germline): Benign. Review status: criteria provided, single submitter (1 of 4 stars). 3 submissions from 1 submitter: Benign (3). Last evaluated 2018-01-12.

Conditions:
Myhre syndrome (MYHRS). Also called: LARYNGOTRACHEAL STENOSIS, ARTHROPATHY, PROGNATHISM, AND SHORT STATURE; LAPS SYNDROME. Identifiers: Orphanet 2588, MedGen C0796081, MONDO:0007688, OMIM 139210.
Generalized juvenile polyposis/juvenile polyposis coli. Also called: Juvenile polyposis coli. Identifiers: Orphanet 329971, MedGen C1868081, MONDO:0008276.
Juvenile polyposis/hereditary hemorrhagic telangiectasia syndrome (JPHT). Also called: JP/HHT SYNDROME; JUVENILE POLYPOSIS WITH HEREDITARY HEMORRHAGIC TELANGIECTASIA; POLYPOSIS, GENERALIZED JUVENILE, WITH PULMONARY ARTERIOVENOUS MALFORMATION; TELANGIECTASIA, HEREDITARY HEMORRHAGIC, WITH JUVENILE POLYPOSIS COLI; Juvenile Polyposis Syndrome / Hereditary Hemorrhagic Telangiectasia (JPS/HHT). Identifiers: Orphanet 2929, MedGen C1832942, MONDO:0008278, OMIM 175050.

Allele frequency attached by ClinVar (database versions not stated): gnomAD 0.00061 and 0.00078; TOPMed 0.00103; 1000 Genomes Project 30x 0.00281; 1000 Genomes Project 0.00300; gnomAD exomes 0.00356.
gnomAD v4.1: 201 of 177,722 alleles (0.11%); highest among the groups gnomAD compares: East Asian, 1.6%; 3 homozygotes.

Submissions (3):

Illumina Laboratory Services, Illumina
Classification: Benign for Juvenile polyposis/hereditary hemorrhagic telangiectasia syndrome. Last evaluated: 2018-01-12. Review status: criteria provided, single submitter. Criteria: ICSL Variant Classification Criteria 13 December 2019. Collection method: clinical testing. Allele origin: germline.
Comment: This variant was observed in the ICSL laboratory as part of a predisposition screen in an ostensibly healthy population. It had not been previously curated by ICSL or reported in the Human Gene Mutation Database (HGMD: prior to June 1st, 2018), and was therefore a candidate for classification through an automated scoring system. Utilizing variant allele frequency, disease prevalence and penetrance estimates, and inheritance mode, an automated score was calculated to assess if this variant is too frequent to cause the disease. Based on the score and internal cut-off values, a variant classified as benign is not then subjected to further curation. The score for this variant resulted in a classification of benign for this disease.

Illumina Laboratory Services, Illumina
Classification: Benign for Juvenile polyposis syndrome. Last evaluated: 2018-01-12. Review status: criteria provided, single submitter. Criteria: ICSL Variant Classification Criteria 13 December 2019. Collection method: clinical testing. Allele origin: germline.
Comment: the same text as in the submission from Illumina Laboratory Services, Illumina above.

Illumina Laboratory Services, Illumina
Classification: Benign for Myhre syndrome. Last evaluated: 2018-01-12. Review status: criteria provided, single submitter. Criteria: ICSL Variant Classification Criteria 13 December 2019. Collection method: clinical testing. Allele origin: germline.
Comment: the same text as in the submission from Illumina Laboratory Services, Illumina above.

NM_005359.6(SMAD4):c.*2361A>G

Gene: SMAD4 (SMAD family member 4; plus strand). Cytogenetic location: 18q21.2.
Variant type: single nucleotide variant.
Coding change: c.*2361A>G on transcript NM_005359.6 (MANE Select); 2361 bases downstream of the stop codon, A replaced by G.
Molecular consequence: 3 prime UTR variant.
Genome position (GRCh38, 1-based): chr18:51,080,828, A>G. VCF-style: chr18-51080828-A-G. GRCh37 (hg19) VCF-style: chr18-48607198-A-G.
Identifiers: ClinVar variation 327139 (VCV000327139.5), dbSNP rs143842829, ClinGen allele CA10650967.